The following is an entry in ClinVar:

ClinVar aggregate classification (germline): Pathogenic (1 of 4 stars; one submission).

Conditions:
Succinate-semialdehyde dehydrogenase deficiency (SSADHD). Also called: Succinic Semialdehyde Dehydrogenase Deficiency; SSADH DEFICIENCY; 4-HYDROXYBUTYRIC ACIDURIA; GABA METABOLIC DEFECT. Identifiers: Orphanet 22, MedGen C0268631, MONDO:0010083, OMIM 271980.

Submission:

Elsea Laboratory, Baylor College of Medicine
Classification: Pathogenic for Succinate-semialdehyde dehydrogenase deficiency. Last evaluated: 2021-03-08. Review status: criteria provided, single submitter. Criteria: Martin et al. (J Child Neurol. 2021). Collection method: curation. Allele origin: germline. Affected: yes.
Comment: NAD binding domain

Literature cited by the submitters: PubMed 33203024.

NM_001080.3(ALDH5A1):c.416C>A (p.Ala139Asp)

Gene: ALDH5A1 (aldehyde dehydrogenase 5 family member A1; plus strand). Cytogenetic location: 6p22.3.
Variant type: single nucleotide variant.
Coding change: c.416C>A on transcript NM_001080.3 (MANE Select); coding-DNA position 416, C replaced by A.
Protein change: p.Ala139Asp; replaces alanine 139 with aspartic acid.
Molecular consequence: missense variant.
Genome position (GRCh38, 1-based): chr6:24,502,584, C>A. VCF-style: chr6-24502584-C-A. GRCh37 (hg19) VCF-style: chr6-24502812-C-A.
Other names: c.416C>A, p.Ala139Asp (NM_001368954.1, NM_170740.1); short protein forms A139D.
Identifiers: ClinVar variation 1878442 (VCV001878442.3), dbSNP rs1759220347, ClinGen allele CA362969257.